The following is an entry in ClinVar:

NM_000875.5(IGF1R):c.15C>T (p.Ser5=)

Genes: IGF1R (insulin like growth factor 1 receptor; plus strand), IRAIN (IGF1R antisense imprinted non-protein coding RNA; minus strand). Cytogenetic location: 15q26.3.
Variant type: single nucleotide variant.
Coding change: c.15C>T on transcript NM_000875.5 (MANE Select); coding-DNA position 15, C replaced by T.
Protein change: p.Ser5=; no amino-acid change (serine 5 retained).
Molecular consequence: synonymous variant. On other transcripts: non-coding transcript variant (1).
Genome position (GRCh38, 1-based): chr15:98,649,596, C>T. VCF-style: chr15-98649596-C-T. GRCh37 (hg19) VCF-style: chr15-99192825-C-T.
Other names: c.15C>T, p.Ser5= (NM_001291858.2).
Identifiers: ClinVar variation 718201 (VCV000718201.36), dbSNP rs34226328, ClinGen allele CA7751694.

ClinVar aggregate classification (germline): Benign/Likely benign. Review status: criteria provided, multiple submitters, no conflicts (2 of 4 stars). 6 submissions from 6 submitters: Benign (4); Likely benign (2). Last evaluated 2026-05-13.

Conditions:
IGF1R-related disorder. Also called: IGF1R-related condition.

Allele frequency attached by ClinVar (database versions not stated): gnomAD exomes 0.00025 and 0.00082; ExAC 0.00107; 1000 Genomes Project 0.00319; gnomAD 0.00327 and 0.00350; 1000 Genomes Project 30x 0.00359; TOPMed 0.00378; ESP Exome Variant Server 0.00400.
gnomAD v4.1: 878 of 1,598,454 alleles (0.055%); highest among the groups gnomAD compares: African/African-American, 1.1%; 6 homozygotes.

Submissions (6):

Women's Health and Genetics/Laboratory Corporation of America, LabCorp
Classification: Likely benign. Last evaluated: 2026-05-13. Review status: criteria provided, single submitter. Criteria: LabCorp Variant Classification Summary - May 2015. Collection method: clinical testing. Allele origin: germline.

Labcorp Genetics (formerly Invitae), Labcorp
Classification: Benign. Last evaluated: 2026-01-26. Review status: criteria provided, single submitter. Criteria: Invitae Variant Classification Sherloc (09022015). Collection method: clinical testing. Allele origin: germline.

Blueprint Genetics
Classification: Likely benign. Last evaluated: 2024-11-13. Review status: criteria provided, single submitter. Criteria: ACMG Guidelines, 2015. Collection method: clinical testing. Allele origin: germline.

PreventionGenetics, part of Exact Sciences
Classification: Benign for IGF1R-related condition. Last evaluated: 2024-10-13. Review status: criteria provided, single submitter. Criteria: ACMG Guidelines, 2015. Collection method: clinical testing. Allele origin: germline.
Comment: This variant is classified as benign based on ACMG/AMP sequence variant interpretation guidelines (Richards et al. 2015 PMID: 25741868, with internal and published modifications).

CeGaT Center for Human Genetics Tuebingen
Classification: Benign. Last evaluated: 2023-12-01. Review status: criteria provided, single submitter. Criteria: CeGaT Center For Human Genetics Tuebingen Variant Classification Criteria Version 2. Collection method: clinical testing. Allele origin: germline. Affected: yes. Observed: 1 variant allele.
Comment: IGF1R: BP4, BP7, BS1, BS2

Breakthrough Genomics
Classification: Benign. Review status: criteria provided, single submitter. Criteria: ACMG Guidelines, 2015. Collection method: not provided. Allele origin: germline. Inheritance: Autosomal dominant inheritance. Affected: yes.